The following is an entry in ClinVar:

ClinVar aggregate classification (germline): Uncertain significance (1 of 4 stars; one submission).

Conditions:
Tuberous sclerosis 2 (TSC2). Identifiers: Orphanet 805, MedGen C1860707, MONDO:0013199, OMIM 613254.

Allele frequency attached by ClinVar (database versions not stated): gnomAD exomes below 0.00001.
gnomAD v4.1: 1 of 1,611,280 alleles (0.000062%); highest among the groups gnomAD compares: East Asian, 0.0022%; no homozygotes.

Submission:

Labcorp Genetics (formerly Invitae), Labcorp
Classification: Uncertain significance for Tuberous sclerosis 2. Last evaluated: 2025-03-05. Review status: criteria provided, single submitter. Criteria: Invitae Variant Classification Sherloc (09022015). Collection method: clinical testing. Allele origin: germline.
Comment: This sequence change replaces leucine, which is neutral and non-polar, with glutamine, which is neutral and polar, at codon 1682 of the TSC2 protein (p.Leu1682Gln). This variant is not present in population databases (gnomAD no frequency). This variant has not been reported in the literature in individuals affected with TSC2-related conditions. ClinVar contains an entry for this variant (Variation ID: 962536). Invitae Evidence Modeling of protein sequence and biophysical properties (such as structural, functional, and spatial information, amino acid conservation, physicochemical variation, residue mobility, and thermodynamic stability) indicates that this missense variant is not expected to disrupt TSC2 protein function with a negative predictive value of 95%. In summary, the available evidence is currently insufficient to determine the role of this variant in disease. Therefore, it has been classified as a Variant of Uncertain Significance.

NM_000548.5(TSC2):c.5045T>A (p.Leu1682Gln)

Gene: TSC2 (TSC complex subunit 2; plus strand). Cytogenetic location: 16p13.3.
Variant type: single nucleotide variant.
Coding change: c.5045T>A on transcript NM_000548.5 (MANE Select); coding-DNA position 5045, T replaced by A.
Protein change: p.Leu1682Gln; replaces leucine 1682 with glutamine.
Molecular consequence: missense variant.
Genome position (GRCh38, 1-based): chr16:2,087,918, T>A. VCF-style: chr16-2087918-T-A. GRCh37 (hg19) VCF-style: chr16-2137919-T-A.
Other names: c.4844T>A, p.Leu1615Gln (NM_001077183.3); c.4976T>A, p.Leu1659Gln (NM_001114382.3); c.4736T>A, p.Leu1579Gln (NM_001318827.2); c.4700T>A, p.Leu1567Gln (NM_001318829.2); c.4313T>A, p.Leu1438Gln (NM_001318831.2); c.4877T>A, p.Leu1626Gln (NM_001318832.2); c.4847T>A, p.Leu1616Gln (NM_001363528.2); c.4913T>A, p.Leu1638Gln (NM_001370404.1); and 1 more; short protein forms L1438Q, L1626Q, L1639Q, L1682Q, L1567Q, L1659Q, L1579Q, L1615Q.
Identifiers: ClinVar variation 962536 (VCV000962536.9), dbSNP rs2091055727, ClinGen allele CA394311499.